The following is an entry in ClinVar:

ClinVar aggregate classification (germline): Conflicting classifications of pathogenicity. Review status: criteria provided, conflicting classifications (1 of 4 stars). 2 submissions from 2 submitters: Likely pathogenic (1); Uncertain significance (1). Last evaluated 2024-10-01.

Submissions (2):

Women's Health and Genetics/Laboratory Corporation of America, LabCorp
Classification: Uncertain significance. Last evaluated: 2024-10-01. Review status: criteria provided, single submitter. Criteria: LabCorp Variant Classification Summary - May 2015. Collection method: clinical testing. Allele origin: germline.
Comment: Variant summary: F8 c.842C>T (p.Thr281Ile) results in a non-conservative amino acid change in the encoded protein sequence. Five of five in-silico tools predict a damaging effect of the variant on protein function. The variant was absent in 182712 control chromosomes. The available data on variant occurrences in the general population are insufficient to allow any conclusion about variant significance. c.842C>T has been reported in the literature in at least one individual affected with mild Factor VIII Deficiency (Hemophilia A) (Castaman_2009). These data do not allow any conclusion about variant significance. To our knowledge, no experimental evidence demonstrating an impact on protein function has been reported. The following publication has been ascertained in the context of this evaluation (PMID: 19719828). ClinVar contains an entry for this variant (Variation ID: 2428570). Based on the evidence outlined above, the variant was classified as uncertain significance.

ARUP Laboratories, Molecular Genetics and Genomics, ARUP Laboratories
Classification: Likely pathogenic. Last evaluated: 2022-06-26. Review status: criteria provided, single submitter. Criteria: ARUP Molecular Germline Variant Investigation Process 2021. Collection method: clinical testing. Allele origin: germline.
Comment: The F8 c.842C>T; p.Thr281Ile variant is reported in the literature in multiple individuals affected with mild hemophilia A (see F8 database and references therein). This variant is absent from the Genome Aggregation Database, indicating it is not a common polymorphism. Additionally, other variants at this codon (c.841A>C, p.Thr281Pro; c.842C>A, p.Thr281Asn) have been reported in individuals with mild hemophilia A and are considered disease causing (See F8 database, Markoff 2009). The threonine at codon 281 is highly conserved, and computational analyses predict that this variant is deleterious (REVEL: 0.932). Based on available information, this variant is considered to be likely pathogenic. References: Link to F8 database: Markoff A et al. Combined homology modelling and evolutionary significance evaluation of missense mutations in blood clotting factor VIII to highlight aspects of structure and function. Haemophilia. 2009 Jul;15(4):932-41. PMID: 19473423.

Literature cited by the submitters: PubMed 19719828 (cited by Women's Health and Genetics/Laboratory Corporation of America, LabCorp).

NM_000132.4(F8):c.842C>T (p.Thr281Ile)

Gene: F8 (coagulation factor VIII; minus strand). Cytogenetic location: Xq28.
Variant type: single nucleotide variant.
Coding change: c.842C>T on transcript NM_000132.4 (MANE Select); coding-DNA position 842, C replaced by T.
Protein change: p.Thr281Ile; replaces threonine 281 with isoleucine.
Molecular consequence: missense variant.
Genome position (GRCh38, 1-based): chrX:154,969,498, G>A on the plus strand (C>T on the coding strand, the complement: F8 is on the minus strand). VCF-style: chrX-154969498-G-A. GRCh37 (hg19) VCF-style: chrX-154197773-G-A.
Other names: short protein forms T281I.
Identifiers: ClinVar variation 2428570 (VCV002428570.4), dbSNP rs2073444610, ClinGen allele CA414918249.